The following is an entry in ClinVar:

NM_024529.5(CDC73):c.989G>A (p.Arg330Gln)

Gene: CDC73 (cell division cycle 73; plus strand). Cytogenetic location: 1q31.2.
Variant type: single nucleotide variant.
Coding change: c.989G>A on transcript NM_024529.5 (MANE Select); coding-DNA position 989, G replaced by A.
Protein change: p.Arg330Gln; replaces arginine 330 with glutamine.
Molecular consequence: missense variant.
Genome position (GRCh38, 1-based): chr1:193,203,811, G>A. VCF-style: chr1-193203811-G-A. GRCh37 (hg19) VCF-style: chr1-193172941-G-A.
Other names: short protein forms R330Q.
Identifiers: ClinVar variation 403894 (VCV000403894.21), dbSNP rs149875598, ClinGen allele CA1303709.
Genomic context (GRCh38, chr1:193,203,811, plus strand): 5'-TAAAGAAACTTTGATCTTATATATCAATTCTTATTCTTTTAAAGGAGGGTGCATCTGCCC[G>A]GAAGACTCAGACTCCTGCAGCCCAGCCAGTACCAAGACCAGGTAGAAATATAGAACTTTG-3'
Protein context (NP_078805.3, residues 320-340): LKSVTEGASA[Arg330Gln]KTQTPAAQPV

ClinVar aggregate classification (germline): Conflicting classifications of pathogenicity. Review status: criteria provided, conflicting classifications (1 of 4 stars). 6 submissions from 6 submitters: Uncertain significance (4); Benign (1); Likely benign (1). Last evaluated 2026-01-19.

Conditions:
Hereditary cancer-predisposing syndrome. Also called: Tumor predisposition; Neoplastic Syndromes, Hereditary; Hereditary Cancer Syndrome; Hereditary neoplastic syndrome. Identifiers: Orphanet 140162, MedGen C0027672, MeSH D009386, MONDO:0015356.
Parathyroid carcinoma (PRTC). Also called: CDC73-Related Parathyroid Carcinoma; Parathyroid gland carcinoma. Identifiers: Orphanet 143, MedGen C0687150, MONDO:0012004, OMIM 608266, HP:0006780.
Hyperparathyroidism 2 with jaw tumors. Also called: Hyperparathyroidism-Jaw Tumor Syndrome; Hyperparathyroidism 2; HYPERPARATHYROIDISM, FAMILIAL PRIMARY, WITH MULTIPLE OSSIFYING JAW FIBROMAS; HYPERPARATHYROIDISM-JAW TUMOR SYNDROME, HEREDITARY. Identifiers: Orphanet 99880, MedGen C1704981, MONDO:0007768, OMIM 145001.
Hyperparathyroidism 1 (HRPT1). Also called: HYPERPARATHYROIDISM, FAMILIAL ISOLATED PRIMARY. Identifiers: Orphanet 99879, MedGen C1840402, MONDO:0007767, OMIM 145000.

Allele frequency attached by ClinVar (database versions not stated): ExAC 0.00010; TOPMed 0.00012; gnomAD 0.00013 and 0.00014; ESP Exome Variant Server 0.00015.

Submissions (6):

Labcorp Genetics (formerly Invitae), Labcorp
Classification: Uncertain significance for Parathyroid carcinoma. Last evaluated: 2026-01-19. Review status: criteria provided, single submitter. Criteria: Invitae Variant Classification Sherloc (09022015). Collection method: clinical testing. Allele origin: germline.
Comment: This sequence change replaces arginine, which is basic and polar, with glutamine, which is neutral and polar, at codon 330 of the CDC73 protein (p.Arg330Gln). This variant is present in population databases (rs149875598, gnomAD 0.02%). This variant has not been reported in the literature in individuals affected with CDC73-related conditions. ClinVar contains an entry for this variant (Variation ID: 403894). Invitae Evidence Modeling of protein sequence and biophysical properties (such as structural, functional, and spatial information, amino acid conservation, physicochemical variation, residue mobility, and thermodynamic stability) indicates that this missense variant is not expected to disrupt CDC73 protein function with a negative predictive value of 80%. In summary, the available evidence is currently insufficient to determine the role of this variant in disease. Therefore, it has been classified as a Variant of Uncertain Significance.

GeneDx
Classification: Uncertain significance. Last evaluated: 2025-08-04. Review status: criteria provided, single submitter. Criteria: GeneDx Variant Classification Process June 2021. Collection method: clinical testing. Allele origin: germline. Affected: yes.
Comment: In silico analysis suggests that this missense variant does not alter protein structure/function; Has not been previously published as pathogenic or benign to our knowledge; This variant is associated with the following publications: (PMID: 26934580, 30019023, 15632063, 15923622)

Fulgent Genetics
Classification: Likely benign for Hyperparathyroidism 1; Hyperparathyroidism 2 with jaw tumors; Parathyroid carcinoma. Last evaluated: 2024-05-18. Review status: criteria provided, single submitter. Criteria: ACMG Guidelines, 2015. Collection method: clinical testing. Allele origin: germline.

Ambry Genetics
Classification: Benign for Hereditary cancer-predisposing syndrome. Last evaluated: 2023-11-20. Review status: criteria provided, single submitter. Criteria: Ambry Variant Classification Scheme 2023. Collection method: clinical testing. Allele origin: germline.

Baylor Genetics
Classification: Uncertain significance for Hyperparathyroidism 1. Last evaluated: 2023-10-26. Review status: criteria provided, single submitter. Criteria: ACMG Guidelines, 2015. Collection method: clinical testing. Allele origin: unknown.

St. Jude Molecular Pathology, St. Jude Children's Research Hospital
Classification: Uncertain significance for Hyperparathyroidism 2 with jaw tumors. Last evaluated: 2021-07-08. Review status: criteria provided, single submitter. Criteria: St. Jude Assertion Criteria 2020. Collection method: clinical testing. Allele origin: germline.
Comment: The CDC73 c.989G>A (p.Arg330Gln) missense change has a maximum subpopulation frequency of 0.028% in gnomAD v2.1.1. This variant occurs in a gene where missense variants are more likely to be damaging based on methods described by Lek et al. (PP2; PMID: 27535533). In silico tools are not in agreement about the effect of this variant on protein function, but to our knowledge these predictions have not been confirmed by functional assays. In summary, this variant meets criteria to be classified as of uncertain significance based on the ACMG/AMP criteria: PP2.